The following is an entry in ClinVar:

ClinVar aggregate classification (germline): Pathogenic/Likely pathogenic. Review status: criteria provided, multiple submitters, no conflicts (2 of 4 stars). 2 submissions from 2 submitters: Pathogenic (1); Likely pathogenic (1). Last evaluated 2017-11-17.

Conditions:
Landau-Kleffner syndrome (FESD). Also called: EPILEPSY, FOCAL, WITH SPEECH DISORDER AND WITH OR WITHOUT MENTAL RETARDATION; APHASIA, ACQUIRED, WITH EPILEPSY. Identifiers: Orphanet 1945, Orphanet 725, Orphanet 98818, MedGen C0282512, MONDO:0009509, OMIM 245570.

Submissions (2):

Labcorp Genetics (formerly Invitae), Labcorp
Classification: Pathogenic for Landau-Kleffner syndrome. Last evaluated: 2017-11-17. Review status: criteria provided, single submitter. Criteria: Invitae Variant Classification Sherloc (09022015). Collection method: clinical testing. Allele origin: germline.
Comment: This variant has not been reported in the literature in individuals with GRIN2A-related disease. This variant is a gross deletion of the genomic region encompassing part of exon 12 of the GRIN2A gene, including the exon 12-intron 12 boundary (c.2346_2356+8del). This is expected to create a premature translational stop signal and result in an absent or disrupted protein product. Loss-of-function variants in GRIN2A are known to be pathogenic (PMID: 23933819, 23933820). For these reasons, this variant has been classified as Pathogenic.

GeneDx
Classification: Likely pathogenic. Last evaluated: 2016-10-11. Review status: criteria provided, single submitter. Criteria: GeneDx Variant Classification (06012015). Collection method: clinical testing. Allele origin: germline. Affected: yes.
Comment: A novel c.2346_2356+8del19 variant that is likely pathogenic has been identified in the GRIN2A gene. The c.2346_2356+8del19 variant has not been published as a pathogenic variant, nor has it been reported as a benign variant to our knowledge. It was not observed in approximately 6,500 individuals of European and African American ancestry in the NHLBI Exome Sequencing Project, indicating it is not a common benign variant in these populations. This variant results in the deletion of 19 nucleotides at the exon 12/intron 12 boundary including the splice acceptor site and is predicted to cause abnormal gene splicing. However, in the absence of RNA/functional studies, the actual effect of this sequence change in this individual is unknown. Therefore, this variant is likely pathogenic; however, the possibility that it is benign cannot be excluded.

Literature cited by the submitters: PubMed 23933819 (cited by Labcorp Genetics (formerly Invitae), Labcorp); PubMed 23933820 (cited by Labcorp Genetics (formerly Invitae), Labcorp).

NM_001134407.3(GRIN2A):c.2346_2356+8del

Gene: GRIN2A (glutamate ionotropic receptor NMDA type subunit 2A; minus strand). Cytogenetic location: 16p13.2.
Variant type: Deletion.
Coding change: c.2346_2356+8del on transcript NM_001134407.3 (MANE Select); coding-DNA position 2346 through 8 bases into the intron after coding-DNA position 2356, 19 bases deleted (TGTGGGTGATGGTAAGACC).
Molecular consequence: splice donor variant.
Genome position (GRCh38, 1-based): chr16:9,798,269-9,798,287, GGTCTTACCATCACCCACA deleted on the plus strand (TGTGGGTGATGGTAAGACC on the coding strand, the reverse complement: GRIN2A is on the minus strand). VCF-style (leftmost placement, unchanged base first): chr16-9798268-GGGTCTTACCATCACCCACA-G. GRCh37 (hg19) VCF-style: chr16-9892125-GGGTCTTACCATCACCCACA-G.
Other names: c.2346_2356+8del (NM_001134408.2, NM_000833.5).
Identifiers: ClinVar variation 421444 (VCV000421444.10), dbSNP rs1064795143, ClinGen allele CA16620324.